The following is an entry in ClinVar:

ClinVar aggregate classification (germline): Uncertain significance. Review status: criteria provided, multiple submitters, no conflicts (2 of 4 stars). 2 submissions from 2 submitters: Uncertain significance (2). Last evaluated 2025-08-06.

Conditions:
Inborn genetic diseases. Identifiers: MedGen C0950123, MeSH D030342.
Familial temporal lobe epilepsy 7. Identifiers: Orphanet 101046, MedGen C4225327, MONDO:0014639, OMIM 616436.
Norman-Roberts syndrome (LIS2). Also called: Lissencephaly 2 (Norman-Roberts type). Identifiers: Orphanet 89844, MedGen C0796089, MONDO:0009760, OMIM 257320.

Allele frequency attached by ClinVar (database versions not stated): gnomAD exomes below 0.00001; gnomAD 0.00001.
gnomAD v4.1: 4 of 1,613,860 alleles (0.00025%); highest among the groups gnomAD compares: African/African-American, 0.0013%; no homozygotes.

Submissions (2):

Labcorp Genetics (formerly Invitae), Labcorp
Classification: Uncertain significance for Familial temporal lobe epilepsy 7; Norman-Roberts syndrome. Last evaluated: 2025-08-06. Review status: criteria provided, single submitter. Criteria: Invitae Variant Classification Sherloc (09022015). Collection method: clinical testing. Allele origin: germline.
Comment: This sequence change replaces tyrosine, which is neutral and polar, with cysteine, which is neutral and slightly polar, at codon 926 of the RELN protein (p.Tyr926Cys). This variant is not present in population databases (gnomAD no frequency). This variant has not been reported in the literature in individuals affected with RELN-related conditions. ClinVar contains an entry for this variant (Variation ID: 2388030). Invitae Evidence Modeling of protein sequence and biophysical properties (such as structural, functional, and spatial information, amino acid conservation, physicochemical variation, residue mobility, and thermodynamic stability) indicates that this missense variant is not expected to disrupt RELN protein function with a negative predictive value of 80%. In summary, the available evidence is currently insufficient to determine the role of this variant in disease. Therefore, it has been classified as a Variant of Uncertain Significance.

Ambry Genetics
Classification: Uncertain significance for Inborn genetic diseases. Last evaluated: 2022-05-09. Review status: criteria provided, single submitter. Criteria: Ambry Variant Classification Scheme 2023. Collection method: clinical testing. Allele origin: germline.

NM_005045.4(RELN):c.2777A>G (p.Tyr926Cys)

Gene: RELN (reelin; minus strand). Cytogenetic location: 7q22.1.
Variant type: single nucleotide variant.
Coding change: c.2777A>G on transcript NM_005045.4 (MANE Select); coding-DNA position 2777, A replaced by G.
Protein change: p.Tyr926Cys; replaces tyrosine 926 with cysteine.
Molecular consequence: missense variant.
Genome position (GRCh38, 1-based): chr7:103,611,729, T>C on the plus strand (A>G on the coding strand, the complement: RELN is on the minus strand). VCF-style: chr7-103611729-T-C. GRCh37 (hg19) VCF-style: chr7-103252176-T-C.
Other names: c.2777A>G, p.Tyr926Cys (NM_173054.3); short protein forms Y926C.
Identifiers: ClinVar variation 2388030 (VCV002388030.3), dbSNP rs1831963655, ClinGen allele CA368754638.